The following is an entry in ClinVar:

ClinVar aggregate classification (germline): Conflicting classifications of pathogenicity. Review status: criteria provided, conflicting classifications (1 of 4 stars). 2 submissions from 2 submitters: Uncertain significance (1); Likely benign (1). Last evaluated 2024-09-23.

Conditions:
Angelman syndrome-like. Identifiers: MedGen CN128785.
Developmental and epileptic encephalopathy, 2 (DEE2). Also called: INFANTILE SPASM SYNDROME, X-LINKED 2; CDKL5 deficiency disorder. Identifiers: Orphanet 1934, Orphanet 3451, Orphanet 505652, MedGen C4750718, MONDO:0010396, OMIM 300672.
CDKL5 disorder. Identifiers: MedGen CN296942, MONDO:0100039.

Allele frequency attached by ClinVar (database versions not stated): gnomAD exomes 0.00001; ExAC 0.00001.
gnomAD v4.1: 5 of 1,211,573 alleles (0.00041%); highest among the groups gnomAD compares: South Asian, 0.0018%; no homozygotes.

Submissions (2):

Centre for Population Genomics, CPG
Classification: Likely benign for CDKL5 disorder. Last evaluated: 2024-09-23. Review status: criteria provided, single submitter. Criteria: McKnight et al. (Hum Mutat. 2022). Collection method: curation. Allele origin: germline. Inheritance: X-linked inheritance.
Comment: This variant has been collected from RettBASE and curated to current modified ACMG/AMP criteria. Based on the classification scheme defined by the ClinGen Rett/Angelman-like Expert Panel for Rett/AS-like Disorders Specifications to the ACMG/AMP Variant Interpretation Guidelines VCEP 3.0, this variant is classified as likely benign. At least the following criteria are met: Synonymous or intronic variant outside donor and acceptor splice regions for NM_001323289.2 where splicing prediction algorithms do not support significant splicing alteration (spliceAI score <=0.1) (BP4, BP7).

Labcorp Genetics (formerly Invitae), Labcorp
Classification: Uncertain significance for Developmental and epileptic encephalopathy, 2; Angelman syndrome-like. Last evaluated: 2021-09-01. Review status: criteria provided, single submitter. Criteria: Invitae Variant Classification Sherloc (09022015). Collection method: clinical testing. Allele origin: germline.

NM_000330.4(RS1):c.184+3170G>A

Genes: CDKL5 (cyclin dependent kinase like 5; plus strand), RS1 (retinoschisin 1; minus strand). Cytogenetic location: Xp22.13.
Variant type: single nucleotide variant.
Coding change: c.184+3170G>A on transcript NM_000330.4 (MANE Select); 3170 bases into the intron after coding-DNA position 184, G replaced by A.
Molecular consequence: intron variant. On other transcripts: missense variant (2).
Genome position (GRCh38, 1-based): chrX:18,653,483, C>T on the plus strand (G>A on the coding strand, the complement: RS1 is on the minus strand). VCF-style: chrX-18653483-C-T. GRCh37 (hg19) VCF-style: chrX-18671603-C-T.
Other names: c.3032C>T, p.Ala1011Val (NM_001037343.2, NM_003159.3); short protein forms A1011V.
Identifiers: ClinVar variation 850649 (VCV000850649.7), dbSNP rs764540699, ClinGen allele CA10360773.